The following is an entry in ClinVar:

ClinVar aggregate classification (germline): Uncertain significance (1 of 4 stars; one submission).

Submission:

Labcorp Genetics (formerly Invitae), Labcorp
Classification: Uncertain significance. Last evaluated: 2021-02-11. Review status: criteria provided, single submitter. Criteria: Invitae Variant Classification Sherloc (09022015). Collection method: clinical testing. Allele origin: germline.
Comment: In summary, the available evidence is currently insufficient to determine the role of this variant in disease. Therefore, it has been classified as a Variant of Uncertain Significance. Algorithms developed to predict the effect of sequence changes on RNA splicing suggest that this variant may create or strengthen a splice site, but this prediction has not been confirmed by published transcriptional studies. Advanced modeling of protein sequence and biophysical properties (such as structural, functional, and spatial information, amino acid conservation, physicochemical variation, residue mobility, and thermodynamic stability) performed at Invitae indicates that this missense variant is expected to disrupt COL11A1 protein function. This variant has not been reported in the literature in individuals with COL11A1-related conditions. This variant is not present in population databases (ExAC no frequency). This sequence change replaces glycine with serine at codon 1441 of the COL11A1 protein (p.Gly1441Ser). The glycine residue is highly conserved and there is a small physicochemical difference between glycine and serine.

NM_001854.4(COL11A1):c.4321G>A (p.Gly1441Ser)

Gene: COL11A1 (collagen type XI alpha 1 chain; minus strand). Cytogenetic location: 1p21.1.
Variant type: single nucleotide variant.
Coding change: c.4321G>A on transcript NM_001854.4 (MANE Select); coding-DNA position 4321, G replaced by A.
Protein change: p.Gly1441Ser; replaces glycine 1441 with serine.
Molecular consequence: missense variant. On other transcripts: non-coding transcript variant (1).
Genome position (GRCh38, 1-based): chr1:102,890,486, C>T on the plus strand (G>A on the coding strand, the complement: COL11A1 is on the minus strand). VCF-style: chr1-102890486-C-T. GRCh37 (hg19) VCF-style: chr1-103356042-C-T.
Other names: c.3973G>A, p.Gly1325Ser (NM_080630.4); c.4204G>A, p.Gly1402Ser (NM_001190709.2); c.4357G>A, p.Gly1453Ser (NM_080629.3); short protein forms G1325S, G1441S, G1402S, G1453S.
Identifiers: ClinVar variation 1440149 (VCV001440149.8), dbSNP rs774928560, ClinGen allele CA341212887.
Genomic context (GRCh38, chr1:102,890,486, plus strand): 5'-TAATAACACATTCTTTTATTCTCACCTTTTCACCCTTGGAGCCAGGGTCACCTTTGAGAC[C>T]AGGTAAGCCAGGAGGTCCCTAAATAATAACAAAAAAAAAACCCCAAAACAAAAACAGAGT-3'
Protein context (NP_001845.3, residues 1431-1451): PGPMGPPGLP[Gly1441Ser]LKGDPGSKGE